The following is an entry in ClinVar:

ClinVar aggregate classification (germline): Pathogenic (1 of 4 stars; one submission).

Submission:

Labcorp Genetics (formerly Invitae), Labcorp
Classification: Pathogenic. Last evaluated: 2024-04-24. Review status: criteria provided, single submitter. Criteria: Invitae Variant Classification Sherloc (09022015). Collection method: clinical testing. Allele origin: germline.
Comment: This sequence change creates a premature translational stop signal (p.Lys362Argfs*31) in the GATAD2B gene. It is expected to result in an absent or disrupted protein product. Loss-of-function variants in GATAD2B are known to be pathogenic (PMID: 23033978, 25356899, 27159321). This variant is not present in population databases (gnomAD no frequency). This variant has not been reported in the literature in individuals affected with GATAD2B-related conditions. For these reasons, this variant has been classified as Pathogenic.

Literature cited by the submitters: PubMed 23033978; PubMed 25356899; PubMed 27159321.

NM_020699.4(GATAD2B):c.1085del (p.Lys362fs)

Gene: GATAD2B (GATA zinc finger domain containing 2B; minus strand). Cytogenetic location: 1q21.3.
Variant type: Deletion.
Coding change: c.1085del on transcript NM_020699.4 (MANE Select); coding-DNA position 1085, one base deleted (A; older notation c.1085delA).
Protein change: p.Lys362fs; shifts the reading frame from lysine 362.
Molecular consequence: frameshift variant.
Genome position (GRCh38, 1-based): chr1:153,816,404, T deleted on the plus strand (A on the coding strand, the reverse complement: GATAD2B is on the minus strand); the first of 4 consecutive T bases (chr1:153,816,404-153,816,407); deleting any one gives the same sequence. VCF-style (leftmost placement, unchanged base first): chr1-153816403-CT-C. GRCh37 (hg19) VCF-style: chr1-153788879-CT-C.
Other names: short protein forms K362fs.
Identifiers: ClinVar variation 3650669 (VCV003650669.2).